The following is an entry in ClinVar:

NM_005228.5(EGFR):c.535G>A (p.Asp179Asn)

Gene: EGFR (epidermal growth factor receptor; plus strand). Cytogenetic location: 7p11.2.
Variant type: single nucleotide variant.
Coding change: c.535G>A on transcript NM_005228.5 (MANE Select); coding-DNA position 535, G replaced by A.
Protein change: p.Asp179Asn; replaces aspartic acid 179 with asparagine.
Molecular consequence: missense variant. On other transcripts: intron variant (3).
Genome position (GRCh38, 1-based): chr7:55,146,716, G>A. VCF-style: chr7-55146716-G-A. GRCh37 (hg19) VCF-style: chr7-55214409-G-A.
Other names: c.535G>A, p.Asp179Asn (NM_001346898.2, NM_201282.2, NM_201283.2 and 1 more transcripts); c.376G>A, p.Asp126Asn (NM_001346900.2); c.424+3228G>A (NM_001346899.2, NM_001346897.2); c.89-9114G>A (NM_001346941.2); short protein forms D179N, D126N.
Identifiers: ClinVar variation 4639068 (VCV004639068.1).

ClinVar aggregate classification (germline): Uncertain significance (1 of 4 stars; one submission).

Conditions:
Hereditary cancer-predisposing syndrome. Also called: Neoplastic Syndromes, Hereditary; Tumor predisposition; Hereditary Cancer Syndrome; Hereditary neoplastic syndrome. Identifiers: Orphanet 140162, MedGen C0027672, MeSH D009386, MONDO:0015356.

gnomAD v4.1: 4 of 1,614,150 alleles (0.00025%); highest among the groups gnomAD compares: African/African-American, 0.0027%; no homozygotes.

Submission:

Ambry Genetics
Classification: Uncertain significance for Hereditary cancer-predisposing syndrome. Last evaluated: 2025-10-22. Review status: criteria provided, single submitter. Criteria: Ambry Variant Classification Scheme 2023. Collection method: clinical testing. Allele origin: germline.
Comment: The p.D179N variant (also known as c.535G>A), located in coding exon 4 of the EGFR gene, results from a G to A substitution at nucleotide position 535. The aspartic acid at codon 179 is replaced by asparagine, an amino acid with highly similar properties. This amino acid position is conserved. In addition, this alteration is predicted to be tolerated by in silico analysis. Based on the available evidence, the clinical significance of this variant remains unclear.